The following is an entry in ClinVar:

NM_001983.4(ERCC1):c.502G>T (p.Val168Phe)

Gene: ERCC1 (ERCC excision repair 1, endonuclease non-catalytic subunit; minus strand). Cytogenetic location: 19q13.32.
Variant type: single nucleotide variant.
Coding change: c.502G>T on transcript NM_001983.4 (MANE Select); coding-DNA position 502, G replaced by T.
Protein change: p.Val168Phe; replaces valine 168 with phenylalanine.
Molecular consequence: missense variant.
Genome position (GRCh38, 1-based): chr19:45,419,121, C>A on the plus strand (G>T on the coding strand, the complement: ERCC1 is on the minus strand). VCF-style: chr19-45419121-C-A. GRCh37 (hg19) VCF-style: chr19-45922379-C-A.
Other names: c.502G>T, p.Val168Phe (NM_001166049.2, NM_001369408.1, NM_001369409.1 and 11 more transcripts); short protein forms V168F.
Identifiers: ClinVar variation 2025049 (VCV002025049.2), dbSNP rs2513611712, ClinGen allele CA406357697.

ClinVar aggregate classification (germline): Uncertain significance (1 of 4 stars; one submission).

Allele frequency attached by ClinVar (database versions not stated): gnomAD exomes below 0.00001.
gnomAD v4.1: 2 of 1,587,276 alleles (0.00013%); highest among the groups gnomAD compares: Non-Finnish European, 0.00017%; no homozygotes.

Submission:

Labcorp Genetics (formerly Invitae), Labcorp
Classification: Uncertain significance. Last evaluated: 2022-08-19. Review status: criteria provided, single submitter. Criteria: Invitae Variant Classification Sherloc (09022015). Collection method: clinical testing. Allele origin: germline.
Comment: Algorithms developed to predict the effect of missense changes on protein structure and function are either unavailable or do not agree on the potential impact of this missense change (SIFT: "Deleterious"; PolyPhen-2: "Probably Damaging"; Align-GVGD: "Class C0"). In summary, the available evidence is currently insufficient to determine the role of this variant in disease. Therefore, it has been classified as a Variant of Uncertain Significance. This variant has not been reported in the literature in individuals affected with ERCC1-related conditions. This sequence change replaces valine, which is neutral and non-polar, with phenylalanine, which is neutral and non-polar, at codon 168 of the ERCC1 protein (p.Val168Phe). This variant is not present in population databases (gnomAD no frequency).